The following is an entry in ClinVar:

ClinVar aggregate classification (germline): Uncertain significance (1 of 4 stars; one submission).

Conditions:
Idiopathic generalized epilepsy. Also called: EIG; Generalised epilepsy. Identifiers: MedGen C0270850, MONDO:0005579, OMIM 600669.

Allele frequency attached by ClinVar (database versions not stated): TOPMed below 0.00001.

Submission:

Labcorp Genetics (formerly Invitae), Labcorp
Classification: Uncertain significance for Idiopathic generalized epilepsy. Last evaluated: 2022-11-28. Review status: criteria provided, single submitter. Criteria: Invitae Variant Classification Sherloc (09022015). Collection method: clinical testing. Allele origin: germline.
Comment: In summary, the available evidence is currently insufficient to determine the role of this variant in disease. Therefore, it has been classified as a Variant of Uncertain Significance. Advanced modeling of protein sequence and biophysical properties (such as structural, functional, and spatial information, amino acid conservation, physicochemical variation, residue mobility, and thermodynamic stability) performed at Invitae indicates that this missense variant is not expected to disrupt RBFOX1 protein function. ClinVar contains an entry for this variant (Variation ID: 1512368). This variant has not been reported in the literature in individuals affected with RBFOX1-related conditions. This variant is not present in population databases (gnomAD no frequency). This sequence change replaces glycine, which is neutral and non-polar, with cysteine, which is neutral and slightly polar, at codon 333 of the RBFOX1 protein (p.Gly333Cys).

NM_018723.4(RBFOX1):c.934G>T (p.Gly312Cys)

Gene: RBFOX1 (RNA binding fox-1 homolog 1; plus strand). Cytogenetic location: 16p13.3.
Variant type: single nucleotide variant.
Coding change: c.934G>T on transcript NM_018723.4 (MANE Select); coding-DNA position 934, G replaced by T.
Protein change: p.Gly312Cys; replaces glycine 312 with cysteine.
Molecular consequence: missense variant.
Genome position (GRCh38, 1-based): chr16:7,676,777, G>T. VCF-style: chr16-7676777-G-T. GRCh37 (hg19) VCF-style: chr16-7726779-G-T.
Other names: c.853G>T, p.Gly285Cys (NM_001142333.2); c.934G>T, p.Gly312Cys (NM_001142334.2, NM_001364800.2); c.1063G>T, p.Gly355Cys (NM_001308117.1); c.997G>T, p.Gly333Cys (NM_145891.3, NM_145892.3, NM_145893.3); short protein forms G312C, G333C, G355C, G285C.
Identifiers: ClinVar variation 1512368 (VCV001512368.8), dbSNP rs2073403458, ClinGen allele CA394683975.